The following is an entry in ClinVar:

ClinVar aggregate classification (germline): Pathogenic/Likely pathogenic. Review status: criteria provided, multiple submitters, no conflicts (2 of 4 stars). 2 submissions from 2 submitters: Pathogenic (1); Likely pathogenic (1). Last evaluated 2023-03-15.

Conditions:
Charcot-Marie-Tooth disease axonal type 2S. Also called: CHARCOT-MARIE-TOOTH NEUROPATHY, TYPE 2S; CHARCOT-MARIE-TOOTH DISEASE, AXONAL, AUTOSOMAL RECESSIVE, TYPE 2S. Identifiers: Orphanet 443073, MedGen C4015349, MONDO:0014511, OMIM 616155.
Autosomal recessive distal spinal muscular atrophy 1. Also called: Spinal muscular atrophy with respiratory distress 1; HMN VI; NEURONOPATHY, SEVERE INFANTILE AXONAL, WITH RESPIRATORY FAILURE; SEVERE INFANTILE AXONAL NEUROPATHY WITH RESPIRATORY FAILURE; SPINAL MUSCULAR ATROPHY, DIAPHRAGMATIC; NEURONOPATHY, DISTAL HEREDITARY MOTOR, HARDING TYPE VI. Identifiers: Orphanet 98920, MedGen C1858517, MONDO:0011436, OMIM 604320.

Submissions (2):

Labcorp Genetics (formerly Invitae), Labcorp
Classification: Pathogenic for Autosomal recessive distal spinal muscular atrophy 1; Charcot-Marie-Tooth disease axonal type 2S. Last evaluated: 2023-03-15. Review status: criteria provided, single submitter. Criteria: Invitae Variant Classification Sherloc (09022015). Collection method: clinical testing. Allele origin: germline.
Comment: For these reasons, this variant has been classified as Pathogenic. This variant has not been reported in the literature in individuals affected with IGHMBP2-related conditions. This variant is present in population databases (no rsID available, gnomAD 0.007%). This sequence change creates a premature translational stop signal (p.Ser419Argfs*9) in the IGHMBP2 gene. It is expected to result in an absent or disrupted protein product. Loss-of-function variants in IGHMBP2 are known to be pathogenic (PMID: 14681881, 25439726, 25568292).

Rady Children's Institute for Genomic Medicine, Rady Children's Hospital San Diego
Classification: Likely pathogenic for SPINAL MUSCULAR ATROPHY, DISTAL, AUTOSOMAL RECESSIVE, 1. Review status: criteria provided, single submitter. Criteria: ACMG Guidelines, 2015. Collection method: clinical testing. Allele origin: germline. Affected: yes.
Comment: This frameshifting variant in exon 9 of 15 introduces a premature stop codon and is therefore predicted to result in loss of normal protein function through either protein truncation or nonsense-mediated mRNA decay (NMD). This variant has not been previously reported or functionally characterized in the literature to our knowledge. It is present in the heterozygous state in the gnomAD population database at a frequency of .0004% (1/244514) and thus is presumed to be rare. Based on the available evidence, the c.1241_1254dup (p.Ser419ArgfsTer9) variant is classified as Likely Pathogenic.

Literature cited by the submitters: PubMed 14681881 (cited by Labcorp Genetics (formerly Invitae), Labcorp); PubMed 25439726 (cited by Labcorp Genetics (formerly Invitae), Labcorp); PubMed 25568292 (cited by Labcorp Genetics (formerly Invitae), Labcorp).

NM_002180.3(IGHMBP2):c.1241_1254dup (p.Ser419fs)

Gene: IGHMBP2 (immunoglobulin mu DNA binding protein 2; plus strand). Cytogenetic location: 11q13.3.
Variant type: Duplication.
Coding change: c.1241_1254dup on transcript NM_002180.3 (MANE Select); coding-DNA positions 1241 to 1254, 14 bases duplicated (CGCTGGCAGGACTG).
Protein change: p.Ser419fs; shifts the reading frame from serine 419.
Molecular consequence: frameshift variant.
Genome position (GRCh38, 1-based): chr11:68,933,304-68,933,317, CGCTGGCAGGACTG duplicated; duplicating any 14 consecutive bases within chr11:68,933,301-68,933,317 gives the same sequence; the c. name uses the placement nearest the transcript's 3' end. VCF-style (leftmost placement, unchanged base first): chr11-68933300-G-GCTGCGCTGGCAGGA. GRCh37 (hg19) VCF-style: chr11-68700768-G-GCTGCGCTGGCAGGA.
Other names: short protein forms S419fs.
Identifiers: ClinVar variation 2584463 (VCV002584463.4), dbSNP rs1177963598, ClinGen allele CA599991724.